The following is an entry in ClinVar:

ClinVar aggregate classification (germline): Conflicting classifications of pathogenicity. Review status: criteria provided, conflicting classifications (1 of 4 stars). 6 submissions from 6 submitters: Pathogenic (1); Likely pathogenic (3); Uncertain significance (1). 1 of the submissions does not count toward it. Last evaluated 2025-09-03.

Conditions:
Dominant beta-thalassemia. Also called: Beta-thalassemia, dominant inclusion body type. Identifiers: Orphanet 231226, Orphanet 848, MedGen C1858990, MONDO:0011381, OMIM 603902.
Erythrocytosis, familial, 6. Also called: ERYTHROCYTOSIS, BETA-GLOBIN TYPE; POLYCYTHEMIA, BETA-GLOBIN TYPE. Identifiers: MedGen C4693822, MONDO:0054801, OMIM 617980.
Hb SS disease (SCD). Also called: Hemoglobin SS; Sickle cell anemia; Sickle cell disease; HbS disease; Hemoglobin S Disease; Sickling disorder due to hemoglobin S. Identifiers: Orphanet 232, Orphanet 275752, MedGen C0002895, MONDO:0011382, OMIM 603903.
Heinz body anemia. Also called: Heinz body hemolytic anemia. Identifiers: Orphanet 178330, MedGen C0700299, MONDO:0007705, OMIM 140700, HP:0005511.
METHEMOGLOBINEMIA, BETA TYPE. Also called: Methemoglobinemia, beta-globin type. Identifiers: MedGen C1840779, OMIM 617971.
Hereditary persistence of fetal hemoglobin. Identifiers: MedGen C0019025, MONDO:0020989, OMIM 141749.
Malaria, susceptibility to. Identifiers: Orphanet 673, MedGen C1970028, MONDO:0021024, OMIM 611162.
Beta-thalassemia HBB/LCRB. Identifiers: MedGen CN322236, MONDO:0013517, OMIM 613985.
beta Thalassemia (BTHAL). Also called: Cooley's anemia; Erythroblastic anemia; Mediterranean anemia. Identifiers: Orphanet 848, MedGen C0005283, MONDO:0019402. Disease mechanism: loss of function.

Submissions (6):

Women's Health and Genetics/Laboratory Corporation of America, LabCorp
Classification: Uncertain significance. Last evaluated: 2025-09-03. Review status: criteria provided, single submitter. Criteria: LabCorp Variant Classification Summary - May 2015. Collection method: clinical testing. Allele origin: germline.
Comment: Variant summary: HBB c.-140C>G variant leads to a substitution in the 5' UTR conserved promoter sequence (CACCC box) at a conserved nucleotide. The transcription factor erythroid Kruppel-like factor (EKLF) specifically activates the b-globin gene by interacting with the proximal b-globin CACCC box, a known hot spot for thalassaemia mutations. It has been shown that EKLF requires both the proximal and distal CACCC boxes to maximally stimulate the b-globin gene, and thus changes to the CACCC boxes are expected to reduce HBB expression (PMID:15384985). Consensus agreement among computation tools predict no significant impact on normal splicing. However, these predictions have yet to be confirmed by functional studies. The variant was absent in 31402 control chromosomes (gnomAD). c.-140C>G has been reported in the literature in at least 4 heterozygous carrier members of a family, with the proband being reported with anemia, microcytosis, hypochromia and elevated HbA2 (e.g. Rizo-de la Torre_2017). The variant is reported in the Ithanet database as "globin gene causative mutation". Another substitution at the same position, c.-140C>T has been classified as a pathogenic variant by our laboratory and it is reported to impair mRNA synthesis (PMIDs: 3457470 and 14555318). Furthermore, other substitutions in the same CACCC box have been classified as pathogenic by our laboratory (e.g. c.-138C>T, c.-138C>A, c.-137C>G, c.-137C>T, c.-136C>G). To our knowledge, no experimental evidence demonstrating an impact on protein function has been reported. The following publications have been ascertained in the context of this evaluation (PMID: 28603845, 33734896). ClinVar contains an entry for this variant (Variation ID: 495975). Based on the evidence outlined above, the variant was classified as VUS-possibly pathogenic.

Natera, Inc.
Classification: Likely pathogenic for Beta thalassemia. Last evaluated: 2025-07-28. Review status: criteria provided, single submitter. Criteria: Natera Variant Classification Schema (03/2026). Collection method: clinical testing. Allele origin: germline.
Comment: The c.-140C>G variant in HBB is a 5' untranslated region (UTR) variant located upstream of the translation start codon. This variant is rare in the general population with a frequency below the threshold expected for the associated phenotype(s). This variant has been observed in one or more individuals affected with the associated recessive disease, as either homozygous or compound heterozygous with a second variant (PMID: 33734896). Another variant at this same site results in an alteration predicted to cause a similar molecular effect has been observed in individual(s) with the associated phenotype. Given the available evidence, this variant is classified as Likely Pathogenic.

ARUP Laboratories, Molecular Genetics and Genomics, ARUP Laboratories
Classification: Likely pathogenic. Last evaluated: 2025-06-19. Review status: criteria provided, single submitter. Criteria: ARUP Molecular Germline Variant Investigation Process 2024. Collection method: clinical testing. Allele origin: germline.
Comment: The HBB c.-140C>G variant (also known as c.-90C>G, rs34999973, ClinVar Variation ID: 495975) has been reported in the heterozygous state in a family with beta thalassemia trait and segregated with microcytic anemia, hypochromia and elevated HbA2 levels (Rizo-de-la-Torre 2017). This variant is absent from the Genome Aggregation Database (v2.1.1), indicating it is not a common polymorphism. The c.-140C>G variant occurs in a conserved proximal CACCC element necessary for efficient HBB gene expression, and variants affecting this consensus sequence are associated with a beta+ thalassemia phenotype (Faustino 1996, Kulozik 1991, Rizo-de-la-Torre 2017). Another variant at the same position (c.-140C>T) has been described in multiple individuals with beta thalassemia and is considered disease-causing (Jia 2003, Shaji 2002). Based on available information, the c.-140C>G variant is considered to be likely pathogenic. References: Jia S et al. A rare beta-thalassaemia mutation (C-T) at position -90 of the beta-globin gene discovered in a Chinese family. Haematologica. 2003;88(10):1191-3. PMID: 14555318. Faustino P et al. beta-Thalassemia mutation at -90C-->T impairs the interaction of the proximal CACCC box with both erythroid and nonerythroid factors. Blood. 1996;88(8):3248-9. PMID: 8874232. Kulozik A et al. Thalassemia intermedia: moderate reduction of beta globin gene transcriptional activity by a novel mutation of the proximal CACCC promoter element. Blood. 1991 May 1;77(9):2054-8. Rizo-de-la-Torre L et al. Three novel HBB mutations, c.-140C>G (-90 C>G), c.237_256delGGACAACCTCAAGGGCACCT (FS Cd 78/85 -20 bp), and c.315+2T>G (IVS2:2 T>G). Update of the mutational spectrum of beta-Thalassemia in Mexican mestizo patients. Int J Lab Hematol. 2017 Oct;39(5):539-545. PMID: 28603845. Shaji RV et al. Rapid detection of beta-globin gene mutations and polymorphisms by temporal temperature gradient gel electrophoresis. Clin Chem. 2003;49(5):777-81. PMID: 12709369.

Fulgent Genetics
Classification: Likely pathogenic for Heinz body anemia; Hereditary persistence of fetal hemoglobin; Dominant beta-thalassemia; Hb SS disease; Malaria, susceptibility to; Beta-thalassemia HBB/LCRB; METHEMOGLOBINEMIA, BETA TYPE; Erythrocytosis, familial, 6. Last evaluated: 2024-03-24. Review status: criteria provided, single submitter. Criteria: ACMG Guidelines, 2015. Collection method: clinical testing. Allele origin: germline.

Quest Diagnostics Nichols Institute San Juan Capistrano
Classification: Pathogenic. Last evaluated: 2023-10-12. Review status: criteria provided, single submitter. Criteria: Quest Diagnostics criteria. Collection method: clinical testing. Allele origin: unknown.
Comment: The HBB c.-140C>G variant (also known -90C>G) variant is located in the promoter region of the HBB gene and has been reported in the published literature in an individual with beta(+) thalassemia (PMID: 28603845 (2017)). This variant reduces the binding of transcription factors and causes decreased transcription of the beta-globin gene (ITHANET). This variant has not been reported in large, multi-ethnic general populations (Genome Aggregation Database). Based on the available information, this variant is classified as pathogenic.

The ITHANET community portal, The Cyprus Institute of Neurology and Genetics
Classification: Pathogenic for beta Thalassemia. Last evaluated: 2019-11-25. Review status: no assertion criteria provided. Collection method: curation. Allele origin: germline. Not counted in ClinVar's aggregate classification.

Literature cited by the submitters: PubMed 28603845 (cited by 3 submitters); PubMed 33734896 (cited by Women's Health and Genetics/Laboratory Corporation of America, LabCorp and Natera, Inc.).

NM_000518.5(HBB):c.-140C>G

Genes: HBB (hemoglobin subunit beta; minus strand), LOC106099062 (HBB recombination region; plus strand), LOC107133510 (origin of replication at HBB; plus strand). Cytogenetic location: 11p15.4.
Variant type: single nucleotide variant.
Coding change: c.-140C>G on transcript NM_000518.5 (MANE Select); 140 bases upstream of the start codon, C replaced by G.
Genome position (GRCh38, 1-based): chr11:5,227,161, G>C on the plus strand (C>G on the coding strand, the complement: HBB is on the minus strand). VCF-style: chr11-5227161-G-C. GRCh37 (hg19) VCF-style: chr11-5248391-G-C.
Other names: -90 (C>G).
Identifiers: ClinVar variation 495975 (VCV000495975.15), dbSNP rs34999973, ClinGen allele CA658683682.